The following is an entry in ClinVar:

NM_001394062.1(MACF1):c.18879_18881del (p.Ile6294del)

Gene: MACF1 (microtubule actin crosslinking factor 1; plus strand). Cytogenetic location: 1p34.3.
Variant type: Deletion.
Coding change: c.18879_18881del on transcript NM_001394062.1 (MANE Select); coding-DNA positions 18879 to 18881, 3 bases deleted (TAT; older notation c.18879_18881delTAT).
Protein change: p.Ile6294del; deletes isoleucine 6294.
Molecular consequence: inframe deletion.
Genome position (GRCh38, 1-based): chr1:39,442,251-39,442,253, TAT deleted; deleting any 3 consecutive bases within chr1:39,442,249-39,442,253 gives the same sequence; the c. name uses the placement nearest the transcript's 3' end. VCF-style (leftmost placement, unchanged base first): chr1-39442248-CATT-C. GRCh37 (hg19) VCF-style: chr1-39907920-CATT-C.
Other names: c.12702_12704del, p.Ile4235del (NM_012090.5); c.6957_6959del, p.Ile2320del (NM_001397473.1); short protein forms I2320del, I4235del, I6294del.
Identifiers: ClinVar variation 2777896 (VCV002777896.3), dbSNP rs780661343, ClinGen allele CA783985.

ClinVar aggregate classification (germline): Uncertain significance (1 of 4 stars; one submission).

Submission:

Labcorp Genetics (formerly Invitae), Labcorp
Classification: Uncertain significance. Last evaluated: 2023-08-07. Review status: criteria provided, single submitter. Criteria: Invitae Variant Classification Sherloc (09022015). Collection method: clinical testing. Allele origin: germline.
Comment: In summary, the available evidence is currently insufficient to determine the role of this variant in disease. Therefore, it has been classified as a Variant of Uncertain Significance. Experimental studies and prediction algorithms are not available or were not evaluated, and the functional significance of this variant is currently unknown. This variant has not been reported in the literature in individuals affected with MACF1-related conditions. This variant is present in population databases (rs780661343, gnomAD 0.003%). This variant, c.12702_12704del, results in the deletion of 1 amino acid(s) of the MACF1 protein (p.Ile4235del), but otherwise preserves the integrity of the reading frame.